The following is an entry in ClinVar:

NM_170707.4(LMNA):c.1949A>G (p.Asn650Ser)

Gene: LMNA (lamin A/C; plus strand). Cytogenetic location: 1q22.
Variant type: single nucleotide variant.
Coding change: c.1949A>G on transcript NM_170707.4 (MANE Select); coding-DNA position 1949, A replaced by G.
Protein change: p.Asn650Ser; replaces asparagine 650 with serine.
Molecular consequence: missense variant. On other transcripts: intron variant (1).
Genome position (GRCh38, 1-based): chr1:156,138,738, A>G. VCF-style: chr1-156138738-A-G. GRCh37 (hg19) VCF-style: chr1-156108529-A-G.
Other names: c.1613A>G, p.Asn538Ser (NM_001257374.3); c.1859A>G, p.Asn620Ser (NM_170708.4); c.1818+131A>G (NM_001282626.2); short protein forms N620S, N650S, N538S.
Identifiers: ClinVar variation 645227 (VCV000645227.9), dbSNP rs775728847, ClinGen allele CA31015708.

ClinVar aggregate classification (germline): Conflicting classifications of pathogenicity. Review status: criteria provided, conflicting classifications (1 of 4 stars). 4 submissions from 4 submitters: Uncertain significance (3); Likely benign (1). Last evaluated 2025-10-07.

Conditions:
Cardiomyopathy (CMYO). Also called: Cardiomyopathies. Identifiers: Orphanet 167848, MedGen C0878544, MONDO:0004994, HP:0001638. Inheritance: Various modes of inheritance.
Primary dilated cardiomyopathy (DCM). Also called: Dilated Cardiomyopathy. Identifiers: Orphanet 217604, MedGen C0007193, MeSH D002311, MONDO:0005021, HP:0001644. Inheritance: Various modes of inheritance.
Charcot-Marie-Tooth disease type 2. Also called: Charcot-Marie-Tooth type 2. Identifiers: Orphanet 64746, MedGen C0270914, MONDO:0018993.

Allele frequency attached by ClinVar (database versions not stated): gnomAD exomes below 0.00001; TOPMed 0.00001.

Submissions (4):

Color Diagnostics, LLC DBA Color Health
Classification: Likely benign for Cardiomyopathy. Last evaluated: 2025-10-07. Review status: criteria provided, single submitter. Criteria: ACMG Guidelines, 2015. Collection method: clinical testing. Allele origin: germline.

Labcorp Genetics (formerly Invitae), Labcorp
Classification: Uncertain significance for Charcot-Marie-Tooth disease type 2. Last evaluated: 2025-06-24. Review status: criteria provided, single submitter. Criteria: Invitae Variant Classification Sherloc (09022015). Collection method: clinical testing. Allele origin: germline.
Comment: This sequence change replaces asparagine, which is neutral and polar, with serine, which is neutral and polar, at codon 650 of the LMNA protein (p.Asn650Ser). This variant is present in population databases (rs775728847, gnomAD 0.003%). This variant has not been reported in the literature in individuals affected with LMNA-related conditions. ClinVar contains an entry for this variant (Variation ID: 645227). An algorithm developed to predict the effect of missense changes on protein structure and function outputs the following: PolyPhen-2: "Benign". The serine amino acid residue is found in multiple mammalian species, which suggests that this missense change does not adversely affect protein function. In summary, the available evidence is currently insufficient to determine the role of this variant in disease. Therefore, it has been classified as a Variant of Uncertain Significance.

All of Us Research Program, National Institutes of Health
Classification: Uncertain significance for Primary dilated cardiomyopathy. Last evaluated: 2023-12-13. Review status: criteria provided, single submitter. Criteria: ACMG Guidelines, 2015. Collection method: clinical testing. Allele origin: germline. Inheritance: Autosomal dominant inheritance. Observed: 2 variant alleles, 2 heterozygotes.
Comment: This missense variant replaces asparagine with serine at codon 650 of the LMNA protein. Computational prediction suggests that this variant may not impact protein structure and function (internally defined REVEL score threshold <= 0.5, PMID: 27666373). To our knowledge, functional studies have not been reported for this variant. This variant has not been reported in individuals affected with LMNA-related disorders in the literature. This variant has been identified in 1/247726 chromosomes in the general population by the Genome Aggregation Database (gnomAD). The available evidence is insufficient to determine the role of this variant in disease conclusively. Therefore, this variant is classified as a Variant of Uncertain Significance.

This study involves interpretation of variants in research participants for the purpose of population health screening. Participant phenotype was not available at the time of variant classification. Additional details can be found in publication PMID: 35346344, PMCID: PMC8962531

GeneDx
Classification: Uncertain significance. Last evaluated: 2022-05-17. Review status: criteria provided, single submitter. Criteria: GeneDx Variant Classification Process June 2021. Collection method: clinical testing. Allele origin: germline. Affected: yes.
Comment: Has not been previously published as pathogenic or benign to our knowledge; Not observed at significant frequency in large population cohorts (gnomAD); In silico analysis supports that this missense variant does not alter protein structure/function; This variant is associated with the following publications: (PMID: 10939567)